The following is an entry in ClinVar:

ClinVar aggregate classification (germline): Likely pathogenic (1 of 4 stars; one submission).

Conditions:
Cardiac-urogenital syndrome (CUGS). Also called: MYRF-Related Cardiac Urogenital Syndrome. Identifiers: Orphanet 647811, MedGen C4748946, MONDO:0032653, OMIM 618280.

Submission:

3billion
Classification: Likely pathogenic for Cardiac-urogenital syndrome. Last evaluated: 2024-06-20. Review status: criteria provided, single submitter. Criteria: ACMG Guidelines, 2015. Collection method: clinical testing. Allele origin: germline. Affected: yes.
Comment: The variant is not observed in the gnomAD v4.0.0 dataset. Predicted Consequence/Location: Stop-gained (nonsense): predicted to result in a loss or disruption of normal protein function through nonsense-mediated decay (NMD) or protein truncation. Multiple pathogenic variants are reported downstream of the variant. Therefore, this variant is classified as Likely pathogenic according to the recommendation of ACMG/AMP guideline.

NM_001127392.3(MYRF):c.2494C>T (p.Gln832Ter)

Gene: MYRF (myelin regulatory factor; plus strand). Cytogenetic location: 11q12.2.
Variant type: single nucleotide variant.
Coding change: c.2494C>T on transcript NM_001127392.3 (MANE Select); coding-DNA position 2494, C replaced by T.
Protein change: p.Gln832Ter; replaces glutamine 832 with a stop codon.
Molecular consequence: nonsense.
Genome position (GRCh38, 1-based): chr11:61,780,967, C>T. VCF-style: chr11-61780967-C-T. GRCh37 (hg19) VCF-style: chr11-61548439-C-T.
Other names: c.2389C>T, p.Gln797Ter (NM_013279.4); short protein forms Q797*, Q832*.
Identifiers: ClinVar variation 4293753 (VCV004293753.1).
Genomic context (GRCh38, chr11:61,780,967, plus strand): 5'-CTCCCCTCAAGCTCTCCCAGCCCCTCTGAGCTCAGCCCATCCTTCCCCAGCAGGTCCAGC[C>T]AGAGCTTTGGGACCACGCAGCTCCGACAGTCCCCCTTGACCACGGGGCTACCAGGCATAC-3'